The following is an entry in ClinVar:

ClinVar aggregate classification (germline): Uncertain significance (1 of 4 stars; one submission).

Submission:

GeneDx
Classification: Uncertain significance. Last evaluated: 2024-05-06. Review status: criteria provided, single submitter. Criteria: GeneDx Variant Classification Process June 2021. Collection method: clinical testing. Allele origin: germline. Affected: yes.
Comment: Not observed at significant frequency in large population cohorts (gnomAD); In silico analysis supports that this missense variant has a deleterious effect on protein structure/function; In silico analysis is inconclusive as to whether the variant alters gene splicing. In the absence of RNA/functional studies, the actual effect of this sequence change is unknown.; Has not been previously published as pathogenic or benign to our knowledge

NM_000489.6(ATRX):c.5713G>T (p.Asp1905Tyr)

Gene: ATRX (ATRX chromatin remodeler; minus strand). Cytogenetic location: Xq21.1.
Variant type: single nucleotide variant.
Coding change: c.5713G>T on transcript NM_000489.6 (MANE Select); coding-DNA position 5713, G replaced by T.
Protein change: p.Asp1905Tyr; replaces aspartic acid 1905 with tyrosine.
Molecular consequence: missense variant.
Genome position (GRCh38, 1-based): chrX:77,599,805, C>A on the plus strand (G>T on the coding strand, the complement: ATRX is on the minus strand). VCF-style: chrX-77599805-C-A. GRCh37 (hg19) VCF-style: chrX-76855274-C-A.
Other names: c.5599G>T, p.Asp1867Tyr (NM_138270.5); short protein forms D1867Y, D1905Y.
Identifiers: ClinVar variation 3375755 (VCV003375755.1).